The following is an entry in ClinVar:

NM_025114.4(CEP290):c.1015A>C (p.Lys339Gln)

Gene: CEP290 (centrosomal protein 290; minus strand). Cytogenetic location: 12q21.32.
Variant type: single nucleotide variant.
Coding change: c.1015A>C on transcript NM_025114.4 (MANE Select); coding-DNA position 1015, A replaced by C.
Protein change: p.Lys339Gln; replaces lysine 339 with glutamine.
Molecular consequence: missense variant.
Genome position (GRCh38, 1-based): chr12:88,126,366, T>G on the plus strand (A>C on the coding strand, the complement: CEP290 is on the minus strand). VCF-style: chr12-88126366-T-G. GRCh37 (hg19) VCF-style: chr12-88520143-T-G.
Other names: short protein forms K339Q.
Identifiers: ClinVar variation 4994909 (VCV004994909.1).

ClinVar aggregate classification (germline): Uncertain significance (1 of 4 stars; one submission).

Conditions:
CEP290-related disorder. Also called: CEP290-related condition; CEP290-related disorders. Identifiers: MedGen CN239314.

gnomAD v4.1: 1 of 1,511,378 alleles (0.000066%); highest among the groups gnomAD compares: African/African-American, 0.0014%; no homozygotes.

Submission:

PreventionGenetics, part of Exact Sciences
Classification: Uncertain significance for CEP290-related condition. Last evaluated: 2025-11-03. Review status: criteria provided, single submitter. Criteria: ACMG Guidelines, 2015. Collection method: clinical testing. Allele origin: germline.
Comment: The CEP290 c.1015A>C variant is predicted to result in the amino acid substitution p.Lys339Gln. To our knowledge, this variant has not been reported in the literature or in a large population database (gnomAD), indicating this variant is rare. At this time, the clinical significance of this variant is uncertain due to the absence of conclusive functional and genetic evidence.